The following is an entry in ClinVar:

ClinVar aggregate classification (germline): Benign/Likely benign. Review status: criteria provided, multiple submitters, no conflicts (2 of 4 stars). 7 submissions from 7 submitters: Benign (3); Likely benign (4). Last evaluated 2026-07-01.

Conditions:
Limb-girdle muscular dystrophy due to POMK deficiency. Also called: MUSCULAR DYSTROPHY-DYSTROGLYCANOPATHY, LIMB-GIRDLE, POMK-RELATED; Muscular dystrophy-dystroglycanopathy (limb-girdle), type c, 12. Identifiers: Orphanet 445110, MedGen C4015184, MONDO:0014489, OMIM 616094.
Muscular dystrophy-dystroglycanopathy (congenital with brain and eye anomalies), type a, 12 (MDDGA12). Also called: WALKER-WARBURG SYNDROME OR MUSCLE-EYE-BRAIN DISEASE, POMK-RELATED. Identifiers: Orphanet 899, MedGen C3808964, MONDO:0014101, OMIM 615249.

Allele frequency attached by ClinVar (database versions not stated): gnomAD exomes 0.00039 and 0.00089; ExAC 0.00090; ESP Exome Variant Server 0.00246; gnomAD 0.00253 and 0.00266; TOPMed 0.00284; 1000 Genomes Project 0.00300; 1000 Genomes Project 30x 0.00344.
gnomAD v4.1: 971 of 1,614,136 alleles (0.06%); highest among the groups gnomAD compares: African/African-American, 0.85%; 3 homozygotes.

Submissions (7):

CeGaT Center for Human Genetics Tuebingen
Classification: Likely benign. Last evaluated: 2026-07-01. Review status: criteria provided, single submitter. Criteria: CeGaT Center For Human Genetics Tuebingen Variant Classification Criteria Version 2. Collection method: clinical testing. Allele origin: germline. Affected: yes. Observed: 2 variant alleles.
Comment: POMK: BP4, BP7

Labcorp Genetics (formerly Invitae), Labcorp
Classification: Benign for Muscular dystrophy-dystroglycanopathy (congenital with brain and eye anomalies), type a, 12; Limb-girdle muscular dystrophy due to POMK deficiency. Last evaluated: 2026-01-21. Review status: criteria provided, single submitter. Criteria: Invitae Variant Classification Sherloc (09022015). Collection method: clinical testing. Allele origin: germline.

Blueprint Genetics
Classification: Likely benign. Last evaluated: 2024-11-26. Review status: criteria provided, single submitter. Criteria: ACMG Guidelines, 2015. Collection method: clinical testing. Allele origin: germline.

Mayo Clinic Laboratories, Mayo Clinic
Classification: Benign. Last evaluated: 2024-11-26. Review status: criteria provided, single submitter. Criteria: ACMG Guidelines, 2015. Collection method: clinical testing. Allele origin: germline. Observed: 2 variant alleles.
Comment: BS1, BS2, BP4, BP7

GeneDx
Classification: Benign. Last evaluated: 2020-10-01. Review status: criteria provided, single submitter. Criteria: GeneDx Variant Classification Process June 2021. Collection method: clinical testing. Allele origin: germline. Affected: yes.

Genetic Services Laboratory, University of Chicago
Classification: Likely benign. Last evaluated: 2015-12-31. Review status: criteria provided, single submitter. Criteria: ACMG Guidelines, 2015. Collection method: clinical testing. Allele origin: germline. Affected: no.

Breakthrough Genomics
Classification: Likely benign. Review status: criteria provided, single submitter. Criteria: ACMG Guidelines, 2015. Collection method: not provided. Allele origin: germline. Inheritance: Autosomal recessive inheritance. Affected: yes.

NM_032237.5(POMK):c.714C>T (p.Ser238=)

Gene: POMK (protein O-mannose kinase; plus strand). Cytogenetic location: 8p11.21.
Variant type: single nucleotide variant.
Coding change: c.714C>T on transcript NM_032237.5 (MANE Select); coding-DNA position 714, C replaced by T.
Protein change: p.Ser238=; no amino-acid change (serine 238 retained).
Molecular consequence: synonymous variant.
Genome position (GRCh38, 1-based): chr8:43,122,538, C>T. VCF-style: chr8-43122538-C-T. GRCh37 (hg19) VCF-style: chr8-42977681-C-T.
Other names: p.Ser238=; c.714C>T, p.Ser238= (NM_001277971.2).
Identifiers: ClinVar variation 436701 (VCV000436701.43), dbSNP rs148949414, ClinGen allele CA4736342.